The following is an entry in ClinVar:

ClinVar aggregate classification (germline): Conflicting classifications of pathogenicity. Review status: criteria provided, conflicting classifications (1 of 4 stars). 5 submissions from 5 submitters: Likely pathogenic (1); Uncertain significance (4). Last evaluated 2026-02-01.

Conditions:
Mucopolysaccharidosis, MPS-II (MPS2). Also called: Attenuated MPS (subtype; formerly known as mild MPS II); Severe MPS II; I2S deficiency; MPS 2; Hunter Syndrome; IDS deficiency. Identifiers: Orphanet 580, Orphanet 79388, MedGen C0026705, MONDO:0010674, OMIM 309900.

Allele frequency attached by ClinVar (database versions not stated): gnomAD exomes below 0.00001.
gnomAD v4.1: 2 of 1,210,397 alleles (0.00017%); highest among the groups gnomAD compares: Middle Eastern, 0.046%; no homozygotes.

Submissions (5):

CeGaT Center for Human Genetics Tuebingen
Classification: Uncertain significance. Last evaluated: 2026-02-01. Review status: criteria provided, single submitter. Criteria: CeGaT Center For Human Genetics Tuebingen Variant Classification Criteria Version 2. Collection method: clinical testing. Allele origin: germline. Affected: yes. Observed: 2 variant alleles.
Comment: IDS: PM2, PP2, PS4:Supporting

Myriad Genetics, Inc.
Classification: Uncertain significance for Mucopolysaccharidosis, MPS-II. Last evaluated: 2025-11-20. Review status: criteria provided, single submitter. Criteria: Myriad Autosomal Dominant, Autosomal Recessive and X-Linked Classification Criteria (2023). Collection method: clinical testing. Allele origin: unknown.
Comment: NM_000202.5(IDS):c.525T>A(D175E) is a missense variant classified as a variant of uncertain significance in the context of mucopolysaccharidosis type II. D175E has not been observed in cases with relevant disease. Relevant functional assessments of this variant are not available in the literature. D175E has not been observed in referenced population frequency databases. In summary, there is insufficient evidence to classify NM_000202.5(IDS):c.525T>A(D175E) as pathogenic or benign. Please note: this variant was assessed in the context of healthy population screening.

Laboratory of Diagnosis and Therapy of Lysosomal Disorders, University of Padova
Classification: Likely pathogenic for Mucopolysaccharidosis, MPS-II. Last evaluated: 2024-06-07. Review status: criteria provided, single submitter. Criteria: ACMG Guidelines, 2015. Collection method: literature only. Allele origin: germline. Affected: yes. Observed: 1 variant allele.
Comment: Prevalence of the variant significantly increased in affected individuals compared with controls (PS4_Moderate), Absent from controls (or at low frequency) in gnomAD database (PM2_Moderate), Missense variant in a gene with a low rate of benign missense variation (PP2_Supporting), Patient’s phenotype or family history highly specific for the disease (PP4_Strong)

Classification method: ACMG Guidelines [PMID:25741868] with modifications

Revvity Omics, Revvity
Classification: Uncertain significance for Mucopolysaccharidosis, MPS-II. Last evaluated: 2024-05-09. Review status: criteria provided, single submitter. Criteria: ACMG Guidelines, 2015. Collection method: clinical testing. Allele origin: germline.

Baylor Genetics
Classification: Uncertain significance for Mucopolysaccharidosis, MPS-II. Last evaluated: 2019-12-26. Review status: criteria provided, single submitter. Criteria: ACMG Guidelines, 2015. Collection method: clinical testing. Allele origin: unknown. Affected: yes.
Comment: This variant was determined to be of uncertain significance according to ACMG Guidelines, 2015 [PMID:25741868].

Literature cited by the submitters: PubMed 28720891 (cited by Laboratory of Diagnosis and Therapy of Lysosomal Disorders, University of Padova).

NM_000202.8(IDS):c.525T>A (p.Asp175Glu)

Genes: IDS (iduronate 2-sulfatase; minus strand), LOC106050102 (IDS recombination region; plus strand). Cytogenetic location: Xq28.
Variant type: single nucleotide variant.
Coding change: c.525T>A on transcript NM_000202.8 (MANE Select); coding-DNA position 525, T replaced by A.
Protein change: p.Asp175Glu; replaces aspartic acid 175 with glutamic acid.
Molecular consequence: missense variant. On other transcripts: non-coding transcript variant (1).
Genome position (GRCh38, 1-based): chrX:149,498,290, A>T on the plus strand (T>A on the coding strand, the complement: IDS is on the minus strand). VCF-style: chrX-149498290-A-T. GRCh37 (hg19) VCF-style: chrX-148579821-A-T.
Other names: c.255T>A, p.Asp85Glu (NM_001166550.4); c.525T>A, p.Asp175Glu (NM_006123.5); short protein forms D85E, D175E.
Identifiers: ClinVar variation 1028128 (VCV001028128.11), dbSNP rs2089452549, ClinGen allele CA414522571.